The following is an entry in ClinVar:

ClinVar aggregate classification (germline): Likely pathogenic (1 of 4 stars; one submission).

Conditions:
Primary ciliary dyskinesia. Also called: Ciliary dyskinesia. Identifiers: Orphanet 244, MedGen C0008780, MONDO:0016575, HP:0012265.

Submission:

Natera, Inc.
Classification: Likely pathogenic for Primary ciliary dyskinesia. Last evaluated: 2024-04-19. Review status: criteria provided, single submitter. Criteria: Natera Variant Classification Schema (03/2026). Collection method: clinical testing. Allele origin: germline.
Comment: The c.4704_4705insTAGCCAGGATGGTCTCGATCTCCTGACCTCATGATCCACCCGCCTCGGCCTCCCAAAGTGCTGGGATTACA variant in DNAH5 is a frameshift variant predicted to shift the reading frame and introduce a stop codon. This variant is expected to result in nonsense mediated decay, truncation, or a dysfunctional protein product. This variant is rare in the general population with a frequency below the threshold expected for the associated phenotype(s). Given the available evidence, this variant is classified as Likely Pathogenic.

NM_001369.3(DNAH5):c.4704_4705insTAGCCAGGATGGTCTCGATCTCCTGACCTCATGATCCACCCGCCTCGGCCTCCCAAAGTGCTGGGATTACA (p.Gly1569Ter)

Genes: DNAH5 (dynein axonemal heavy chain 5; minus strand), DNAH5-AS1 (DNAH5 antisense RNA 1; plus strand). Cytogenetic location: 5p15.2.
Variant type: Insertion.
Coding change: c.4704_4705insTAGCCAGGATGGTCTCGATCTCCTGACCTCATGATCCACCCGCCTCGGCCTCCCAAAGTGCTGGGATTACA on transcript NM_001369.3 (MANE Select); coding-DNA positions 4704 to 4705, TAGCCAGGATGGTCTCGATCTCCTGACCTCATGATCCACCCGCCTCGGCCTCCCAAAGTGCTGGGATTACA inserted.
Protein change: p.Gly1569Ter; replaces glycine 1569 with a stop codon.
Molecular consequence: nonsense.
Genome position: GRCh38: chr5:13,862,639-13,862,640. GRCh37 (hg19): chr5:13,862,748-13,862,749.
Other names: short protein forms G1569*.
Identifiers: ClinVar variation 4814892 (VCV004814892.1).